The following is an entry in ClinVar:

NM_001267550.2(TTN):c.96414C>A (p.Asn32138Lys)

Genes: TTN (titin; minus strand), TTN-AS1 (TTN antisense RNA 1; plus strand), LOC126806421 (CDK7 strongly-dependent group 2 enhancer GRCh37_chr2:179407630-179408829; plus strand). Cytogenetic location: 2q31.2.
Variant type: single nucleotide variant.
Coding change: c.96414C>A on transcript NM_001267550.2 (MANE Select); coding-DNA position 96414, C replaced by A.
Protein change: p.Asn32138Lys; replaces asparagine 32138 with lysine.
Molecular consequence: missense variant.
Genome position (GRCh38, 1-based): chr2:178,543,559, G>T on the plus strand (C>A on the coding strand, the complement: TTN is on the minus strand). VCF-style: chr2-178543559-G-T. GRCh37 (hg19) VCF-style: chr2-179408286-G-T.
Other names: c.91491C>A, p.Asn30497Lys (NM_001256850.1); c.69219C>A, p.Asn23073Lys (NM_003319.4); c.88710C>A, p.Asn29570Lys (NM_133378.4); c.69594C>A, p.Asn23198Lys (NM_133432.3); c.69795C>A, p.Asn23265Lys (NM_133437.4); short protein forms N29570K, N32138K, N23073K, N23265K, N30497K, N23198K.
Identifiers: ClinVar variation 1756174 (VCV001756174.2), dbSNP rs933403975, ClinGen allele CA60970064.

ClinVar aggregate classification (germline): Uncertain significance (1 of 4 stars; one submission).

Conditions:
Cardiovascular phenotype. Identifiers: MedGen CN230736.

Allele frequency attached by ClinVar (database versions not stated): gnomAD exomes below 0.00001.
gnomAD v4.1: 6 of 1,611,148 alleles (0.00037%); highest among the groups gnomAD compares: Non-Finnish European, 0.00051%; no homozygotes.

Submission:

Ambry Genetics
Classification: Uncertain significance for Cardiovascular phenotype. Last evaluated: 2020-03-29. Review status: criteria provided, single submitter. Criteria: Ambry Variant Classification Scheme 2023. Collection method: clinical testing. Allele origin: germline.
Comment: The p.N23073K variant (also known as c.69219C>A), located in coding exon 174 of the TTN gene, results from a C to A substitution at nucleotide position 69219. The asparagine at codon 23073 is replaced by lysine, an amino acid with similar properties. This amino acid position is not well conserved in available vertebrate species. In addition, this alteration is predicted to be tolerated by in silico analysis. Since supporting evidence is limited at this time, the clinical significance of this alteration remains unclear.